The following is an entry in ClinVar:

ClinVar aggregate classification (germline): Conflicting classifications of pathogenicity. Review status: criteria provided, conflicting classifications (1 of 4 stars). 3 submissions from 3 submitters: Likely pathogenic (2); Uncertain significance (1). Last evaluated 2026-06-03.

Conditions:
Hereditary cancer-predisposing syndrome. Also called: Hereditary neoplastic syndrome; Tumor predisposition; Neoplastic Syndromes, Hereditary; Hereditary Cancer Syndrome. Identifiers: Orphanet 140162, MedGen C0027672, MeSH D009386, MONDO:0015356.
Hereditary nonpolyposis colorectal neoplasms. Identifiers: MedGen C0009405, MeSH D003123.
Inherited MMR deficiency (Lynch syndrome).

Submissions (3):

Cambridge Genomics Laboratory, East Genomic Laboratory Hub, NHS Genomic Medicine Service
Classification: Likely pathogenic for Inherited MMR deficiency (Lynch syndrome). Last evaluated: 2026-06-03. Review status: criteria provided, single submitter. Criteria: ACGS Best Practice Guidelines for Variant Classification in Rare Disease 2020. Collection method: clinical testing. Allele origin: germline. Affected: yes.
Comment: PM2_Supporting,PP3_Moderate,PP4_Strong

Labcorp Genetics (formerly Invitae), Labcorp
Classification: Uncertain significance for Hereditary nonpolyposis colorectal neoplasms. Last evaluated: 2025-12-21. Review status: criteria provided, single submitter. Criteria: Invitae Variant Classification Sherloc (09022015). Collection method: clinical testing. Allele origin: germline.
Comment: This sequence change replaces aspartic acid, which is acidic and polar, with valine, which is neutral and non-polar, at codon 380 of the MSH6 protein (p.Asp380Val). This variant is not present in population databases (gnomAD no frequency). This variant has not been reported in the literature in individuals affected with MSH6-related conditions. ClinVar contains an entry for this variant (Variation ID: 428416). Invitae Evidence Modeling of protein sequence and biophysical properties (such as structural, functional, and spatial information, amino acid conservation, physicochemical variation, residue mobility, and thermodynamic stability) has been performed for this missense variant. However, the output from this modeling did not meet the statistical confidence thresholds required to predict the impact of this variant on MSH6 protein function. In summary, the available evidence is currently insufficient to determine the role of this variant in disease. Therefore, it has been classified as a Variant of Uncertain Significance.

Ambry Genetics
Classification: Likely pathogenic for Hereditary cancer-predisposing syndrome. Last evaluated: 2025-07-30. Review status: criteria provided, single submitter. Criteria: Ambry Variant Classification Scheme 2023. Collection method: clinical testing. Allele origin: germline.
Comment: The p.D380V variant (also known as c.1139A>T), located in coding exon 4 of the MSH6 gene, results from an A to T substitution at nucleotide position 1139. The aspartic acid at codon 380 is replaced by valine, an amino acid with highly dissimilar properties. This variant has been identified in a proband(s) whose Lynch syndrome-associated tumor demonstrated loss of MSH6 expression by immunohistochemistry (Li S et al. J. Med. Genet. 2020 Jan;57:62-69; Ambry internal data). This amino acid position is highly conserved in available vertebrate species. In addition, this alteration is predicted to be deleterious by in silico analysis. This variant is considered to be rare based on population cohorts in the Genome Aggregation Database (gnomAD). Based on the majority of available evidence to date, this variant is likely to be pathogenic.

NM_000179.3(MSH6):c.1139A>T (p.Asp380Val)

Gene: MSH6 (mutS homolog 6; plus strand). Cytogenetic location: 2p16.3.
Variant type: single nucleotide variant.
Coding change: c.1139A>T on transcript NM_000179.3 (MANE Select); coding-DNA position 1139, A replaced by T.
Protein change: p.Asp380Val; replaces aspartic acid 380 with valine.
Molecular consequence: missense variant.
Genome position (GRCh38, 1-based): chr2:47,799,122, A>T. VCF-style: chr2-47799122-A-T. GRCh37 (hg19) VCF-style: chr2-48026261-A-T.
Other names: c.749A>T, p.Asp250Val (NM_001281492.2); c.233A>T, p.Asp78Val (NM_001281493.2, NM_001281494.2); short protein forms D380V, D250V, D78V.
Identifiers: ClinVar variation 428416 (VCV000428416.17), dbSNP rs1114167779, ClinGen allele CA346742139.